The following is an entry in ClinVar:

NM_020708.5(SLC12A5):c.974G>A (p.Arg325His)

Gene: SLC12A5 (solute carrier family 12 member 5; plus strand). Cytogenetic location: 20q13.12.
Variant type: single nucleotide variant.
Coding change: c.974G>A on transcript NM_020708.5 (MANE Select); coding-DNA position 974, G replaced by A.
Protein change: p.Arg325His; replaces arginine 325 with histidine.
Molecular consequence: missense variant.
Genome position (GRCh38, 1-based): chr20:46,041,448, G>A. VCF-style: chr20-46041448-G-A. GRCh37 (hg19) VCF-style: chr20-44670087-G-A.
Other names: c.1043G>A, p.Arg348His (NM_001134771.2); short protein forms R325H, R348H.
Identifiers: ClinVar variation 947288 (VCV000947288.10), dbSNP rs751583991, ClinGen allele CA9887196.

ClinVar aggregate classification (germline): Uncertain significance (1 of 4 stars; one submission).

Conditions:
Developmental and epileptic encephalopathy, 34 (DEE34). Also called: Early infantile epileptic encephalopathy 34; SLC12A5-Related Epilepsy of Infancy with Migrating Focal Seizures. Identifiers: Orphanet 293181, MedGen C4225257, MONDO:0014718, OMIM 616645.

Allele frequency attached by ClinVar (database versions not stated): gnomAD 0.00001 and 0.00002; gnomAD exomes 0.00001; TOPMed 0.00001; ExAC 0.00003.
gnomAD v4.1: 9 of 1,613,946 alleles (0.00056%); highest among the groups gnomAD compares: East Asian, 0.0022%; no homozygotes.

Submission:

Labcorp Genetics (formerly Invitae), Labcorp
Classification: Uncertain significance for Developmental and epileptic encephalopathy, 34. Last evaluated: 2025-02-27. Review status: criteria provided, single submitter. Criteria: Invitae Variant Classification Sherloc (09022015). Collection method: clinical testing. Allele origin: germline.
Comment: This sequence change replaces arginine, which is basic and polar, with histidine, which is basic and polar, at codon 325 of the SLC12A5 protein (p.Arg325His). This variant is present in population databases (rs751583991, gnomAD 0.007%). This variant has not been reported in the literature in individuals affected with SLC12A5-related conditions. ClinVar contains an entry for this variant (Variation ID: 947288). Invitae Evidence Modeling of protein sequence and biophysical properties (such as structural, functional, and spatial information, amino acid conservation, physicochemical variation, residue mobility, and thermodynamic stability) indicates that this missense variant is not expected to disrupt SLC12A5 protein function with a negative predictive value of 80%. In summary, the available evidence is currently insufficient to determine the role of this variant in disease. Therefore, it has been classified as a Variant of Uncertain Significance.